The following is an entry in ClinVar:

NM_004093.4(EFNB2):c.902G>A (p.Cys301Tyr)

Genes: EFNB2 (ephrin B2; minus strand), LOC126861841 (CDK7 strongly-dependent group 2 enhancer GRCh37_chr13:107145476-107146675; plus strand). Cytogenetic location: 13q33.3.
Variant type: single nucleotide variant.
Coding change: c.902G>A on transcript NM_004093.4 (MANE Select); coding-DNA position 902, G replaced by A.
Protein change: p.Cys301Tyr; replaces cysteine 301 with tyrosine.
Molecular consequence: missense variant.
Genome position (GRCh38, 1-based): chr13:106,493,140, C>T on the plus strand (G>A on the coding strand, the complement: EFNB2 is on the minus strand). VCF-style: chr13-106493140-C-T. GRCh37 (hg19) VCF-style: chr13-107145488-C-T.
Other names: c.809G>A, p.Cys270Tyr (NM_001372056.1); c.788G>A, p.Cys263Tyr (NM_001372057.1); short protein forms C263Y, C270Y, C301Y.
Identifiers: ClinVar variation 4279733 (VCV004279733.1).

ClinVar aggregate classification (germline): Uncertain significance (1 of 4 stars; one submission).

Conditions:
EFNB2-related neurodevelopmental disorder.

gnomAD v4.1: 1 of 1,613,942 alleles (0.000062%); highest among the groups gnomAD compares: Non-Finnish European, 0.000085%; no homozygotes.

Submission:

Clinical Genomics Laboratory, Washington University in St. Louis
Classification: Uncertain significance for EFNB2-related neurodevelopmental disorder. Last evaluated: 2025-03-28. Review status: criteria provided, single submitter. Criteria: ACMG Guidelines, 2015. Collection method: clinical testing. Allele origin: germline.
Comment: The EFNB2 c.902G>A (p.Cys301Tyr) variant, to our knowledge, has not been reported in the medical literature. This variant is only observed on 1/1,613,942 alleles in the general population (gnomAD v4.1.0), indicating it is not a common variant. Computational predictors indicate that the variant is damaging, evidence that correlates with impact on EFNB2 function. Due to limited information, the clinical significance of this variant is uncertain.